The following is an entry in ClinVar:

ClinVar aggregate classification (germline): Pathogenic (1 of 4 stars; one submission).

Submission:

GeneDx
Classification: Pathogenic. Last evaluated: 2025-01-02. Review status: criteria provided, single submitter. Criteria: GeneDx Variant Classification Process June 2021. Collection method: clinical testing. Allele origin: germline. Affected: yes.
Comment: Canonical splice site variant predicted to result in an in-frame loss of the adjacent exon in a gene for which loss of function is a known mechanism of disease; Not observed at significant frequency in large population cohorts (gnomAD); Deletions involving coding exons of this gene are a known mechanism of disease (HGMD); Has not been previously published as pathogenic or benign to our knowledge

NM_000548.5(TSC2):c.1717-2A>T

Gene: TSC2 (TSC complex subunit 2; plus strand). Cytogenetic location: 16p13.3.
Variant type: single nucleotide variant.
Coding change: c.1717-2A>T on transcript NM_000548.5 (MANE Select); the canonical splice acceptor site of the intron before coding-DNA position 1717, A replaced by T.
Molecular consequence: splice acceptor variant.
Genome position (GRCh38, 1-based): chr16:2,070,454, A>T. VCF-style: chr16-2070454-A-T. GRCh37 (hg19) VCF-style: chr16-2120455-A-T.
Other names: c.373-2A>T (NM_001406693.1, NM_001406689.1, NM_001406690.1 and 6 more transcripts); c.1807-2A>T (NM_001406667.1, NM_001406668.1); c.1117-2A>T (NM_001406680.1, NM_001406683.1, NM_001406687.1 and 6 more transcripts); c.115-2A>T (NM_001406698.1); c.1717-2A>T (NM_001114382.3, NM_001406663.1, NM_001406664.1 and 6 more transcripts); c.1705-2A>T (NM_001406671.1, NM_001406673.1); c.1255-2A>T (NM_001406681.1); c.1606-2A>T (NM_001406670.1, NM_001318827.2, NM_001406678.1); and 3 more.
Identifiers: ClinVar variation 4055801 (VCV004055801.1).
Genomic context (GRCh38, chr16:2,070,454, plus strand): 5'-TGCTGTCTTAGGACTGCGTTTTCACCTCCTGCGCCGTGGTGAGCTGCGTCCTCTCTCTGC[A>T]GACCAAGCTGTACACCCTGCCTGCAAGCCACGCCACGCGTGTGTATGAGATGCTGGTCAG-3'